The following is an entry in ClinVar:

NM_005633.4(SOS1):c.1009T>A (p.Tyr337Asn)

Gene: SOS1 (SOS Ras/Rac guanine nucleotide exchange factor 1; minus strand). Cytogenetic location: 2p22.1.
Variant type: single nucleotide variant.
Coding change: c.1009T>A on transcript NM_005633.4 (MANE Select); coding-DNA position 1009, T replaced by A.
Protein change: p.Tyr337Asn; replaces tyrosine 337 with asparagine.
Molecular consequence: missense variant.
Genome position (GRCh38, 1-based): chr2:39,035,277, A>T on the plus strand (T>A on the coding strand, the complement: SOS1 is on the minus strand). VCF-style: chr2-39035277-A-T. GRCh37 (hg19) VCF-style: chr2-39262418-A-T.
Other names: c.988T>A, p.Tyr330Asn (NM_001382394.1); c.1009T>A, p.Tyr337Asn (NM_001382395.1); short protein forms Y330N, Y337N.
Identifiers: ClinVar variation 4987952 (VCV004987952.1).
Genomic context (GRCh38, chr2:39,035,277, plus strand): 5'-AAAGTTCAAAGTAATGGAGACAGTGGTAAACAGGGGCCAGAAGCAGCCTGGGTAAAACAT[A>T]TTGAACAGCTTCTTTGAAACCTTCGCCTATTGACTGGAAAAAAAAGTGATTTAATTTTTT-3'
Protein context (NP_005624.2, residues 327-347): IGEGFKEAVQ[Tyr337Asn]VLPRLLLAPV

ClinVar aggregate classification (germline): Uncertain significance (1 of 4 stars; one submission).

Conditions:
SOS1-related disorder. Also called: SOS1-related condition.

Submission:

PreventionGenetics, part of Exact Sciences
Classification: Uncertain significance for SOS1-related condition. Last evaluated: 2025-02-18. Review status: criteria provided, single submitter. Criteria: ACMG Guidelines, 2015. Collection method: clinical testing. Allele origin: germline.
Comment: The SOS1 c.1009T>A variant is predicted to result in the amino acid substitution p.Tyr337Asn. To our knowledge, this variant has not been reported in the literature or in a large population database (gnomAD), indicating this variant is rare. At this time, the clinical significance of this variant is uncertain due to the absence of conclusive functional and genetic evidence.